The following is an entry in ClinVar:

NM_001366145.2(TRPM3):c.2548G>C (p.Gly850Arg)

Gene: TRPM3 (transient receptor potential cation channel subfamily M member 3; minus strand). Cytogenetic location: 9q21.12.
Variant type: single nucleotide variant.
Coding change: c.2548G>C on transcript NM_001366145.2 (MANE Select); coding-DNA position 2548, G replaced by C.
Protein change: p.Gly850Arg; replaces glycine 850 with arginine.
Molecular consequence: missense variant.
Genome position (GRCh38, 1-based): chr9:70,610,728, C>G on the plus strand (G>C on the coding strand, the complement: TRPM3 is on the minus strand). VCF-style: chr9-70610728-C-G. GRCh37 (hg19) VCF-style: chr9-73225644-C-G.
Other names: c.2512G>C, p.Gly838Arg (NM_001007471.4, NM_001366151.2); c.2518G>C, p.Gly840Arg (NM_001366141.2, NM_001366143.2, NM_001366149.2); c.2554G>C, p.Gly852Arg (NM_001366142.2); c.2548G>C, p.Gly850Arg (NM_001366146.2); c.2623G>C, p.Gly875Arg (NM_001366147.2, NM_001366152.2); c.2593G>C, p.Gly865Arg (NM_001366148.2); c.2482G>C, p.Gly828Arg (NM_001366150.2); c.2089G>C, p.Gly697Arg (NM_001366154.2, NM_024971.7); and 5 more; short protein forms G675R, G685R, G687R, G697R, G700R, G710R, G828R, G838R.
Identifiers: ClinVar variation 3371544 (VCV003371544.1).

ClinVar aggregate classification (germline): Uncertain significance (1 of 4 stars; one submission).

Submission:

GeneDx
Classification: Uncertain significance. Last evaluated: 2024-04-02. Review status: criteria provided, single submitter. Criteria: GeneDx Variant Classification Process June 2021. Collection method: clinical testing. Allele origin: germline. Affected: yes.
Comment: Not observed at significant frequency in large population cohorts (gnomAD); In silico analysis supports that this missense variant does not alter protein structure/function; Has not been previously published as pathogenic or benign to our knowledge